The following is an entry in ClinVar:

ClinVar aggregate classification (germline): Uncertain significance. Review status: criteria provided, multiple submitters, no conflicts (2 of 4 stars). 2 submissions from 2 submitters: Uncertain significance (2). Last evaluated 2025-10-14.

Conditions:
Developmental and epileptic encephalopathy, 14 (DEE14). Also called: Early infantile epileptic encephalopathy 14. Identifiers: Orphanet 293181, MedGen C3554195, MONDO:0013989, OMIM 614959.
Autosomal dominant nocturnal frontal lobe epilepsy 5. Also called: CILIARY DYSKINESIA, PRIMARY, 28, WITHOUT SITUS INVERSUS; CILIARY DYSKINESIA, PRIMARY, 28, WITH SITUS INVERSUS; Epilepsy, nocturnal frontal lobe, 5; KCNT1-Related Epilepsy. Identifiers: Orphanet 98784, MedGen C3554306, MONDO:0014002, OMIM 615005.

Allele frequency attached by ClinVar (database versions not stated): gnomAD 0.00001; TOPMed 0.00001; gnomAD exomes 0.00004.
gnomAD v4.1: 45 of 1,612,668 alleles (0.0028%); highest among the groups gnomAD compares: East Asian, 0.0045%; no homozygotes.

Submissions (2):

Labcorp Genetics (formerly Invitae), Labcorp
Classification: Uncertain significance for Autosomal dominant nocturnal frontal lobe epilepsy 5; Developmental and epileptic encephalopathy, 14. Last evaluated: 2025-10-14. Review status: criteria provided, single submitter. Criteria: Invitae Variant Classification Sherloc (09022015). Collection method: clinical testing. Allele origin: germline.
Comment: This sequence change replaces arginine, which is basic and polar, with histidine, which is basic and polar, at codon 133 of the KCNT1 protein (p.Arg133His). This variant is present in population databases (rs201295824, gnomAD 0.07%). This missense change has been observed in individual(s) with temporal lobe epilepsy (PMID: 27029629). ClinVar contains an entry for this variant (Variation ID: 648163). Invitae Evidence Modeling of protein sequence and biophysical properties (such as structural, functional, and spatial information, amino acid conservation, physicochemical variation, residue mobility, and thermodynamic stability) indicates that this missense variant is expected to disrupt KCNT1 protein function with a positive predictive value of 80%. In summary, the available evidence is currently insufficient to determine the role of this variant in disease. Therefore, it has been classified as a Variant of Uncertain Significance.

CeGaT Center for Human Genetics Tuebingen
Classification: Uncertain significance. Last evaluated: 2022-09-01. Review status: criteria provided, single submitter. Criteria: CeGaT Center For Human Genetics Tuebingen Variant Classification Criteria Version 2. Collection method: clinical testing. Allele origin: germline. Affected: yes. Observed: 1 variant allele.

Literature cited by the submitters: PubMed 27029629 (cited by Labcorp Genetics (formerly Invitae), Labcorp).

NM_020822.3(KCNT1):c.398G>A (p.Arg133His)

Gene: KCNT1 (potassium sodium-activated channel subfamily T member 1; plus strand). Cytogenetic location: 9q34.3.
Variant type: single nucleotide variant.
Coding change: c.398G>A on transcript NM_020822.3 (MANE Select); coding-DNA position 398, G replaced by A.
Protein change: p.Arg133His; replaces arginine 133 with histidine.
Molecular consequence: missense variant.
Genome position (GRCh38, 1-based): chr9:135,751,005, G>A. VCF-style: chr9-135751005-G-A. GRCh37 (hg19) VCF-style: chr9-138642851-G-A.
Other names: c.254G>A, p.Arg85His (NM_001272003.2); short protein forms R133H, R85H.
Identifiers: ClinVar variation 648163 (VCV000648163.40), dbSNP rs201295824, ClinGen allele CA201450611.